The following is an entry in ClinVar:

NM_020919.4(ALS2):c.1622del (p.His541fs)

Gene: ALS2 (alsin Rho guanine nucleotide exchange factor ALS2; minus strand). Cytogenetic location: 2q33.1.
Variant type: Deletion.
Coding change: c.1622del on transcript NM_020919.4 (MANE Select); coding-DNA position 1622, one base deleted (A; older notation c.1622delA).
Protein change: p.His541fs; shifts the reading frame from histidine 541.
Molecular consequence: frameshift variant.
Genome position (GRCh38, 1-based): chr2:201,754,521, T deleted on the plus strand (A on the coding strand, the reverse complement: ALS2 is on the minus strand). VCF-style (leftmost placement, unchanged base first): chr2-201754520-GT-G. GRCh37 (hg19) VCF-style: chr2-202619243-GT-G.
Other names: short protein forms H541fs.
Identifiers: ClinVar variation 1443530 (VCV001443530.6), dbSNP rs2106074302, ClinGen allele CA2573134345.

ClinVar aggregate classification (germline): Pathogenic (1 of 4 stars; one submission).

Conditions:
Infantile-onset ascending hereditary spastic paralysis (IAHSP). Also called: Autosomal Recessive Juvenile Amyotrophic Lateral Sclerosis; Infantile-Onset Ascending Hereditary Spastic Paralysis (IAHSP). Identifiers: Orphanet 293168, MedGen C2931441, MONDO:0011797, OMIM 607225. Disease mechanism: loss of function.

Submission:

Labcorp Genetics (formerly Invitae), Labcorp
Classification: Pathogenic for Infantile-onset ascending hereditary spastic paralysis. Last evaluated: 2022-08-10. Review status: criteria provided, single submitter. Criteria: Invitae Variant Classification Sherloc (09022015). Collection method: clinical testing. Allele origin: germline.
Comment: This variant is not present in population databases (gnomAD no frequency). For these reasons, this variant has been classified as Pathogenic. ClinVar contains an entry for this variant (Variation ID: 1443530). This variant has not been reported in the literature in individuals affected with ALS2-related conditions. This sequence change creates a premature translational stop signal (p.His541Profs*13) in the ALS2 gene. It is expected to result in an absent or disrupted protein product. Loss-of-function variants in ALS2 are known to be pathogenic (PMID: 11586298, 24315819).

Literature cited by the submitters: PubMed 11586298; PubMed 24315819.